The following is an entry in ClinVar:

NM_000135.4(FANCA):c.4325C>G (p.Ala1442Gly)

Genes: ZNF276 (zinc finger protein 276; plus strand), FANCA (FA complementation group A; minus strand). Cytogenetic location: 16q24.3.
Variant type: single nucleotide variant.
Coding change: c.4325C>G on transcript NM_000135.4 (MANE Select); coding-DNA position 4325, C replaced by G.
Protein change: p.Ala1442Gly; replaces alanine 1442 with glycine.
Molecular consequence: missense variant. On other transcripts: 3 prime UTR variant (3), non-coding transcript variant (4).
Genome position (GRCh38, 1-based): chr16:89,738,644, G>C on the plus strand (C>G on the coding strand, the complement: FANCA is on the minus strand). VCF-style: chr16-89738644-G-C. GRCh37 (hg19) VCF-style: chr16-89805052-G-C.
Other names: c.*54C>G (NM_001286167.3); c.*398G>C (NM_001113525.2, NM_152287.4); short protein forms A1442G.
Identifiers: ClinVar variation 571744 (VCV000571744.12), dbSNP rs144171225, ClinGen allele CA8250573.

ClinVar aggregate classification (germline): Conflicting classifications of pathogenicity. Review status: criteria provided, conflicting classifications (1 of 4 stars). 5 submissions from 5 submitters: Uncertain significance (3); Likely benign (1). 1 of the submissions does not count toward it. Last evaluated 2025-10-29.

Conditions:
FANCA-related disorder. Also called: FANCA-related condition.
Inborn genetic diseases. Identifiers: MedGen C0950123, MeSH D030342.
Fanconi anemia (FA). Also called: Fanconi's anemia. Identifiers: Orphanet 84, MedGen C0015625, MeSH D005199, MONDO:0019391.
Fanconi anemia complementation group A (FANCA). Also called: Fanconi anemia, group A; FANCA-Related Fanconi Anemia. Identifiers: Orphanet 84, MedGen C3469521, MONDO:0009215, OMIM 227650.

Allele frequency attached by ClinVar (database versions not stated): gnomAD exomes 0.00001; ExAC 0.00003; gnomAD 0.00005; TOPMed 0.00006; ESP Exome Variant Server 0.00008; 1000 Genomes Project 0.00020; 1000 Genomes Project 30x 0.00031.
gnomAD v4.1: 15 of 1,613,698 alleles (0.00093%); highest among the groups gnomAD compares: African/African-American, 0.017%; no homozygotes.

Submissions (5):

Labcorp Genetics (formerly Invitae), Labcorp
Classification: Likely benign for Fanconi anemia. Last evaluated: 2025-10-29. Review status: criteria provided, single submitter. Criteria: Invitae Variant Classification Sherloc (09022015). Collection method: clinical testing. Allele origin: germline.

Ambry Genetics
Classification: Uncertain significance for Inborn genetic diseases. Last evaluated: 2025-09-25. Review status: criteria provided, single submitter. Criteria: Ambry Variant Classification Scheme 2023. Collection method: clinical testing. Allele origin: germline.

PreventionGenetics, part of Exact Sciences
Classification: Uncertain significance for FANCA-related condition. Last evaluated: 2023-05-21. Review status: criteria provided, single submitter. Criteria: ACMG Guidelines, 2015. Collection method: clinical testing. Allele origin: germline.
Comment: The FANCA c.4325C>G variant is predicted to result in the amino acid substitution p.Ala1442Gly. To our knowledge, this variant has not been reported in the literature. This variant is reported in 0.016% of alleles in individuals of African descent in gnomAD and is interpreted as uncertain in ClinVar. At this time, the clinical significance of this variant is uncertain due to the absence of conclusive functional and genetic evidence.

Fulgent Genetics
Classification: Uncertain significance for Fanconi anemia complementation group A. Last evaluated: 2022-04-07. Review status: criteria provided, single submitter. Criteria: ACMG Guidelines, 2015. Collection method: clinical testing. Allele origin: unknown.

Natera, Inc.
Classification: Uncertain significance for Fanconi anemia. Last evaluated: 2019-10-28. Review status: no assertion criteria provided. Collection method: clinical testing. Allele origin: germline. Not counted in ClinVar's aggregate classification.